The following is an entry in ClinVar:

ClinVar aggregate classification (germline): Pathogenic (0 of 4 stars; one submission).

Conditions:
Fanconi anemia complementation group A (FANCA). Also called: Fanconi anemia, group A; FANCA-Related Fanconi Anemia. Identifiers: Orphanet 84, MedGen C3469521, MONDO:0009215, OMIM 227650.

Submission:

Leiden Open Variation Database
Classification: Pathogenic for Fanconi anemia complementation group A. Last evaluated: 2020-02-28. Review status: no assertion criteria provided. Collection method: curation. Allele origin: germline. Affected: yes.
Comment: Curator: Arleen D. Auerbach. Submitter to LOVD: Arleen D. Auerbach.

Literature cited by the submitters: PubMed 16084127; PubMed 25168418.

NC_000016.10:g.(89770635_89771677)_(89792548_89795905)del

Gene: FANCA (FA complementation group A; minus strand). Cytogenetic location: 16q24.3.
Variant type: Deletion.
Identifiers: ClinVar variation 974308 (VCV000974308.1).